The following is an entry in ClinVar:

ClinVar aggregate classification (germline): Uncertain significance (1 of 4 stars; one submission).

gnomAD v4.1: 1 of 1,610,580 alleles (0.000062%); no homozygotes.

Submission:

GeneDx
Classification: Uncertain significance. Last evaluated: 2021-01-06. Review status: criteria provided, single submitter. Criteria: GeneDx Variant Classification Process June 2021. Collection method: clinical testing. Allele origin: germline. Affected: yes.
Comment: Not observed in large population cohorts (Lek et al., 2016); Has not been previously published as pathogenic or benign to our knowledge; In silico analysis, which includes splice predictors and evolutionary conservation, suggests this variant may impact gene splicing. In the absence of RNA/functional studies, the actual effect of this sequence change is unknown.

NM_006766.5(KAT6A):c.2496A>G (p.Glu832=)

Gene: KAT6A (lysine acetyltransferase 6A; minus strand). Cytogenetic location: 8p11.21.
Variant type: single nucleotide variant.
Coding change: c.2496A>G on transcript NM_006766.5 (MANE Select); coding-DNA position 2496, A replaced by G.
Protein change: p.Glu832=; no amino-acid change (glutamic acid 832 retained).
Molecular consequence: synonymous variant.
Genome position (GRCh38, 1-based): chr8:41,941,385, T>C on the plus strand (A>G on the coding strand, the complement: KAT6A is on the minus strand). VCF-style: chr8-41941385-T-C. GRCh37 (hg19) VCF-style: chr8-41798903-T-C.
Identifiers: ClinVar variation 1313851 (VCV001313851.2), dbSNP rs2150861827, ClinGen allele CA460784413.